The following is an entry in ClinVar:

NM_018297.4(NGLY1):c.1551G>A (p.Trp517Ter)

Gene: NGLY1 (N-glycanase 1; minus strand). Cytogenetic location: 3p24.2.
Variant type: single nucleotide variant.
Coding change: c.1551G>A on transcript NM_018297.4 (MANE Select); coding-DNA position 1551, G replaced by A.
Protein change: p.Trp517Ter; replaces tryptophan 517 with a stop codon.
Molecular consequence: nonsense.
Genome position (GRCh38, 1-based): chr3:25,729,193, C>T on the plus strand (G>A on the coding strand, the complement: NGLY1 is on the minus strand). VCF-style: chr3-25729193-C-T. GRCh37 (hg19) VCF-style: chr3-25770684-C-T.
Other names: c.1497G>A, p.Trp499Ter (NM_001145293.2); c.1425G>A, p.Trp475Ter (NM_001145294.2); c.1551G>A, p.Trp517Ter (NM_001145295.2); short protein forms W475*, W517*, W499*.
Identifiers: ClinVar variation 1375055 (VCV001375055.6), dbSNP rs2125459623, ClinGen allele CA351896521.

ClinVar aggregate classification (germline): Pathogenic (1 of 4 stars; one submission).

Conditions:
Congenital disorder of deglycosylation (CDDG). Identifiers: MedGen C3808991, MONDO:0031376.

Submission:

Labcorp Genetics (formerly Invitae), Labcorp
Classification: Pathogenic for Congenital disorder of deglycosylation. Last evaluated: 2022-08-23. Review status: criteria provided, single submitter. Criteria: Invitae Variant Classification Sherloc (09022015). Collection method: clinical testing. Allele origin: germline.
Comment: For these reasons, this variant has been classified as Pathogenic. ClinVar contains an entry for this variant (Variation ID: 1375055). This variant has not been reported in the literature in individuals affected with NGLY1-related conditions. This variant is not present in population databases (gnomAD no frequency). This sequence change creates a premature translational stop signal (p.Trp517*) in the NGLY1 gene. It is expected to result in an absent or disrupted protein product. Loss-of-function variants in NGLY1 are known to be pathogenic (PMID: 24651605).

Literature cited by the submitters: PubMed 24651605.